The following is an entry in ClinVar:

NM_004006.3(DMD):c.4986T>C (p.Ala1662=)

Gene: DMD (dystrophin; minus strand). Cytogenetic location: Xp21.1.
Variant type: single nucleotide variant.
Coding change: c.4986T>C on transcript NM_004006.3 (MANE Select); coding-DNA position 4986, T replaced by C.
Protein change: p.Ala1662=; no amino-acid change (alanine 1662 retained).
Molecular consequence: synonymous variant.
Genome position (GRCh38, 1-based): chrX:32,365,059, A>G on the plus strand (T>C on the coding strand, the complement: DMD is on the minus strand). VCF-style: chrX-32365059-A-G. GRCh37 (hg19) VCF-style: chrX-32383176-A-G.
Other names: c.4962T>C, p.Ala1654= (NM_000109.4); c.4974T>C, p.Ala1658= (NM_004009.3); c.4617T>C, p.Ala1539= (NM_004010.3); c.963T>C, p.Ala321= (NM_004011.4); c.954T>C, p.Ala318= (NM_004012.4).
Identifiers: ClinVar variation 1103490 (VCV001103490.33), dbSNP rs2147259262, ClinGen allele CA515714767.

ClinVar aggregate classification (germline): Likely benign. Review status: criteria provided, multiple submitters, no conflicts (2 of 4 stars). 3 submissions from 3 submitters: Likely benign (3). Last evaluated 2023-12-01.

Conditions:
Duchenne muscular dystrophy (DMD). Also called: MUSCULAR DYSTROPHY, PSEUDOHYPERTROPHIC PROGRESSIVE, DUCHENNE TYPE; Duchenne Muscular Dystrophy (DMD). Identifiers: Orphanet 98896, MedGen C0013264, MONDO:0010679, OMIM 310200.
Cardiovascular phenotype. Identifiers: MedGen CN230736.

Allele frequency attached by ClinVar (database versions not stated): gnomAD exomes below 0.00001.
gnomAD v4.1: 1 of 1,210,921 alleles (0.000083%); highest among the groups gnomAD compares: Non-Finnish European, 0.00011%; no homozygotes.

Submissions (3):

CeGaT Center for Human Genetics Tuebingen
Classification: Likely benign. Last evaluated: 2023-12-01. Review status: criteria provided, single submitter. Criteria: CeGaT Center For Human Genetics Tuebingen Variant Classification Criteria Version 2. Collection method: clinical testing. Allele origin: germline. Affected: yes. Observed: 1 variant allele.
Comment: DMD: PM2:Supporting, BP4, BP7

Labcorp Genetics (formerly Invitae), Labcorp
Classification: Likely benign for Duchenne muscular dystrophy. Last evaluated: 2022-09-12. Review status: criteria provided, single submitter. Criteria: Invitae Variant Classification Sherloc (09022015). Collection method: clinical testing. Allele origin: germline.

Ambry Genetics
Classification: Likely benign for Cardiovascular phenotype. Last evaluated: 2021-10-13. Review status: criteria provided, single submitter. Criteria: Ambry Variant Classification Scheme 2023. Collection method: clinical testing. Allele origin: germline.